The following is an entry in ClinVar:

NM_199420.4(POLQ):c.1439G>C (p.Arg480Pro)

Gene: POLQ (DNA polymerase theta; minus strand). Cytogenetic location: 3q13.33.
Variant type: single nucleotide variant.
Coding change: c.1439G>C on transcript NM_199420.4 (MANE Select); coding-DNA position 1439, G replaced by C.
Protein change: p.Arg480Pro; replaces arginine 480 with proline.
Molecular consequence: missense variant.
Genome position (GRCh38, 1-based): chr3:121,519,900, C>G on the plus strand (G>C on the coding strand, the complement: POLQ is on the minus strand). VCF-style: chr3-121519900-C-G. GRCh37 (hg19) VCF-style: chr3-121238747-C-G.
Other names: short protein forms R480P.
Identifiers: ClinVar variation 1772664 (VCV001772664.3), dbSNP rs747351072, ClinGen allele CA2563540.

ClinVar aggregate classification (germline): Uncertain significance (1 of 4 stars; one submission).

Allele frequency attached by ClinVar (database versions not stated): gnomAD 0.00001.
gnomAD v4.1: 3 of 1,602,712 alleles (0.00019%); highest among the groups gnomAD compares: Non-Finnish European, 0.00017%; no homozygotes.

Submission:

Ambry Genetics
Classification: Uncertain significance. Last evaluated: 2024-04-27. Review status: criteria provided, single submitter. Criteria: Ambry Variant Classification Scheme 2023. Collection method: clinical testing. Allele origin: germline.
Comment: The p.R480P variant (also known as c.1439G>C), located in coding exon 9 of the POLQ gene, results from a G to C substitution at nucleotide position 1439. The arginine at codon 480 is replaced by proline, an amino acid with dissimilar properties. This amino acid position is conserved. In addition, this alteration is predicted to be deleterious by in silico analysis. Since supporting evidence is limited at this time, the clinical significance of this alteration remains unclear.